The following is an entry in ClinVar:

ClinVar aggregate classification (germline): Uncertain significance (1 of 4 stars; one submission).

Submission:

GeneDx
Classification: Uncertain significance. Last evaluated: 2025-06-11. Review status: criteria provided, single submitter. Criteria: GeneDx Variant Classification Process June 2021. Collection method: clinical testing. Allele origin: germline. Affected: yes.
Comment: Not observed at significant frequency in large population cohorts (gnomAD); In silico analysis supports that this missense variant has a deleterious effect on protein structure/function; Has not been previously published as pathogenic or benign to our knowledge

NM_018133.4(MSL2):c.302A>T (p.Asn101Ile)

Gene: MSL2 (MSL complex subunit 2; minus strand). Cytogenetic location: 3q22.3.
Variant type: single nucleotide variant.
Coding change: c.302A>T on transcript NM_018133.4 (MANE Select); coding-DNA position 302, A replaced by T.
Protein change: p.Asn101Ile; replaces asparagine 101 with isoleucine.
Molecular consequence: missense variant.
Genome position (GRCh38, 1-based): chr3:136,152,579, T>A on the plus strand (A>T on the coding strand, the complement: MSL2 is on the minus strand). VCF-style: chr3-136152579-T-A. GRCh37 (hg19) VCF-style: chr3-135871421-T-A.
Other names: c.80A>T, p.Asn27Ile (NM_001145417.2); short protein forms N101I, N27I.
Identifiers: ClinVar variation 4538157 (VCV004538157.1).